The following is an entry in ClinVar:

NM_015164.4(PLEKHM2):c.1048G>T (p.Asp350Tyr)

Gene: PLEKHM2 (pleckstrin homology and RUN domain containing M2; plus strand). Cytogenetic location: 1p36.21.
Variant type: single nucleotide variant.
Coding change: c.1048G>T on transcript NM_015164.4 (MANE Select); coding-DNA position 1048, G replaced by T.
Protein change: p.Asp350Tyr; replaces aspartic acid 350 with tyrosine.
Molecular consequence: missense variant.
Genome position (GRCh38, 1-based): chr1:15,727,120, G>T. VCF-style: chr1-15727120-G-T. GRCh37 (hg19) VCF-style: chr1-16053615-G-T.
Other names: c.988G>T, p.Asp330Tyr (NM_001410755.1); short protein forms D330Y, D350Y.
Identifiers: ClinVar variation 2958452 (VCV002958452.3), dbSNP rs2068073019, ClinGen allele CA338585022.

ClinVar aggregate classification (germline): Uncertain significance (1 of 4 stars; one submission).

Allele frequency attached by ClinVar (database versions not stated): gnomAD exomes below 0.00001; TOPMed below 0.00001; gnomAD 0.00001.
gnomAD v4.1: 3 of 1,585,166 alleles (0.00019%); highest among the groups gnomAD compares: African/African-American, 0.004%; no homozygotes.

Submission:

Labcorp Genetics (formerly Invitae), Labcorp
Classification: Uncertain significance. Last evaluated: 2025-04-14. Review status: criteria provided, single submitter. Criteria: Invitae Variant Classification Sherloc (09022015). Collection method: clinical testing. Allele origin: germline.
Comment: This sequence change replaces aspartic acid, which is acidic and polar, with tyrosine, which is neutral and polar, at codon 350 of the PLEKHM2 protein (p.Asp350Tyr). This variant is not present in population databases (gnomAD no frequency). This variant has not been reported in the literature in individuals affected with PLEKHM2-related conditions. ClinVar contains an entry for this variant (Variation ID: 2958452). An algorithm developed to predict the effect of missense changes on protein structure and function (PolyPhen-2) suggests that this variant is likely to be tolerated. Algorithms developed to predict the effect of sequence changes on RNA splicing suggest that this variant may create or strengthen a splice site. In summary, the available evidence is currently insufficient to determine the role of this variant in disease. Therefore, it has been classified as a Variant of Uncertain Significance.